The following is an entry in ClinVar:

ClinVar aggregate classification (germline): Pathogenic. Review status: criteria provided, multiple submitters, no conflicts (2 of 4 stars). 4 submissions from 4 submitters: Pathogenic (4). Last evaluated 2024-09-04.

Conditions:
Hereditary cancer-predisposing syndrome. Also called: Neoplastic Syndromes, Hereditary; Hereditary Cancer Syndrome; Tumor predisposition; Hereditary neoplastic syndrome. Identifiers: Orphanet 140162, MedGen C0027672, MeSH D009386, MONDO:0015356.
Hereditary diffuse gastric adenocarcinoma (HDGC). Also called: DIFFUSE GASTRIC AND LOBULAR BREAST CANCER SYNDROME. Identifiers: Orphanet 26106, MedGen C1708349, MONDO:0007648, OMIM 137215.

Submissions (4):

Labcorp Genetics (formerly Invitae), Labcorp
Classification: Pathogenic for Hereditary diffuse gastric adenocarcinoma. Last evaluated: 2024-09-04. Review status: criteria provided, single submitter. Criteria: Invitae Variant Classification Sherloc (09022015). Collection method: clinical testing. Allele origin: germline.
Comment: This sequence change creates a premature translational stop signal (p.Asp786Glnfs*5) in the CDH1 gene. It is expected to result in an absent or disrupted protein product. Loss-of-function variants in CDH1 are known to be pathogenic (PMID: 15235021, 20373070). This variant is not present in population databases (gnomAD no frequency). This variant has not been reported in the literature in individuals affected with CDH1-related conditions. ClinVar contains an entry for this variant (Variation ID: 2567612). For these reasons, this variant has been classified as Pathogenic.

Color Diagnostics, LLC DBA Color Health
Classification: Pathogenic for Hereditary cancer-predisposing syndrome. Last evaluated: 2023-08-21. Review status: criteria provided, single submitter. Criteria: ACMG Guidelines, 2015. Collection method: clinical testing. Allele origin: germline.
Comment: This variant inserts 13 nucleotides in exon 15 of the CDH1 gene, creating a frameshift and premature translation stop signal. This variant is expected to result in an absent or non-functional protein product. This variant has been reported in an individual and/or family affected with CDH1-related disease (ClinVar SCV004007972.1). This variant has not been identified in the general population by the Genome Aggregation Database (gnomAD). Loss of CDH1 function is a known mechanism of disease. Based on the available evidence, this variant is classified as Pathogenic.

Myriad Genetics, Inc.
Classification: Pathogenic for Hereditary diffuse gastric adenocarcinoma. Last evaluated: 2023-06-15. Review status: criteria provided, single submitter. Criteria: Myriad Autosomal Dominant, Autosomal Recessive and X-Linked Classification Criteria (2023). Collection method: clinical testing. Allele origin: unknown.
Comment: This variant is considered pathogenic. This variant creates a frameshift predicted to result in premature protein truncation.

Ambry Genetics
Classification: Pathogenic for Hereditary cancer-predisposing syndrome. Last evaluated: 2023-05-13. Review status: criteria provided, single submitter. Criteria: Ambry Variant Classification Scheme 2023. Collection method: clinical testing. Allele origin: germline.
Comment: The c.2355_2356ins13 variant, located in coding exon 15 of the CDH1 gene, results from an insertion of 13 nucleotides (CAACCCTCATGGT) at nucleotide positions 2355 to 2356, causing a translational frameshift with a predicted alternate stop codon (p.D786Qfs*5). This alteration has been observed in at least one individual with a personal and/or family history that is consistent with CDH1-related disease (Ambry internal data). This alteration is expected to result in loss of function by premature protein truncation or nonsense-mediated mRNA decay. As such, this alteration is interpreted as a disease-causing mutation.

Literature cited by the submitters: PubMed 15235021 (cited by Labcorp Genetics (formerly Invitae), Labcorp); PubMed 20373070 (cited by Labcorp Genetics (formerly Invitae), Labcorp).

NM_004360.5(CDH1):c.2355_2356insCAACCCTCATGGT (p.Asp786delinsGlnProSerTrpTer)

Gene: CDH1 (cadherin 1; plus strand). Cytogenetic location: 16q22.1.
Variant type: Insertion.
Coding change: c.2355_2356insCAACCCTCATGGT on transcript NM_004360.5 (MANE Select); coding-DNA positions 2355 to 2356, CAACCCTCATGGT inserted.
Protein change: p.Asp786delinsGlnProSerTrpTer.
Molecular consequence: nonsense.
Genome position: GRCh38 VCF-style: chr16-68829713-C-CCAACCCTCATGGT. GRCh37 (hg19) VCF-style: chr16-68863616-C-CCAACCCTCATGGT.
Other names: c.2172_2173insCAACCCTCATGGT, p.Asp725delinsGlnProSerTrpTer (NM_001317184.2); c.807_808insCAACCCTCATGGT, p.Asp270delinsGlnProSerTrpTer (NM_001317185.2); c.390_391insCAACCCTCATGGT, p.Asp131delinsGlnProSerTrpTer (NM_001317186.2).
Identifiers: ClinVar variation 2567612 (VCV002567612.9), dbSNP rs2543957093, ClinGen allele CA2580612898.